The following is an entry in ClinVar:

ClinVar aggregate classification (germline): Uncertain significance (1 of 4 stars; one submission).

Submission:

GeneDx
Classification: Uncertain significance. Last evaluated: 2024-12-11. Review status: criteria provided, single submitter. Criteria: GeneDx Variant Classification Process June 2021. Collection method: clinical testing. Allele origin: germline. Affected: yes.
Comment: Not observed at significant frequency in large population cohorts (gnomAD); In silico analysis indicates that this missense variant does not alter protein structure/function; Has not been previously published as pathogenic or benign to our knowledge

NM_001148.6(ANK2):c.4741T>G (p.Ser1581Ala)

Gene: ANK2 (ankyrin 2; plus strand). Cytogenetic location: 4q26.
Variant type: single nucleotide variant.
Coding change: c.4741T>G on transcript NM_001148.6 (MANE Select); coding-DNA position 4741, T replaced by G.
Protein change: p.Ser1581Ala; replaces serine 1581 with alanine.
Molecular consequence: missense variant. On other transcripts: intron variant (68).
Genome position (GRCh38, 1-based): chr4:113,353,359, T>G. VCF-style: chr4-113353359-T-G. GRCh37 (hg19) VCF-style: chr4-114274515-T-G.
Other names: c.4507T>G, p.Ser1503Ala (NM_001386142.1); c.1141T>G, p.Ser381Ala (NM_001386166.1); c.4882T>G, p.Ser1628Ala (NM_001386174.1); c.4858T>G, p.Ser1620Ala (NM_001386175.1); c.4411+3110T>G (NM_001386186.2, NM_001386148.2); c.4213+3110T>G (NM_001354269.3); c.4291+3110T>G (NM_001386187.2); c.4252+3110T>G (NM_001386147.1); and 35 more; short protein forms S1503A, S1581A, S1620A, S1628A, S381A.
Identifiers: ClinVar variation 3902843 (VCV003902843.1).